The following is an entry in ClinVar:

NM_001040108.2(MLH3):c.556_557delinsAA (p.Ser186Asn)

Gene: MLH3 (mutL homolog 3; minus strand). Cytogenetic location: 14q24.3.
Variant type: Indel.
Coding change: c.556_557delinsAA on transcript NM_001040108.2 (MANE Select); coding-DNA positions 556 to 557, TC replaced by AA.
Protein change: p.Ser186Asn; replaces serine 186 with asparagine.
Molecular consequence: missense variant.
Genome position (GRCh38, 1-based): chr14:75,049,099-75,049,100, GA replaced by TT on the plus strand (TC replaced by AA on the coding strand, the reverse complement: MLH3 is on the minus strand). VCF-style: chr14-75049099-GA-TT. GRCh37 (hg19) VCF-style: chr14-75515802-GA-TT.
Other names: c.556_557delinsAA, p.Ser186Asn (NM_014381.3); short protein forms S186N.
Identifiers: ClinVar variation 3659863 (VCV003659863.2).

ClinVar aggregate classification (germline): Uncertain significance (1 of 4 stars; one submission).

Conditions:
Colorectal cancer, hereditary nonpolyposis, type 7. Identifiers: Orphanet 144, MedGen C1858380, MONDO:0013725, OMIM 614385.

Submission:

Labcorp Genetics (formerly Invitae), Labcorp
Classification: Uncertain significance for Colorectal cancer, hereditary nonpolyposis, type 7. Last evaluated: 2024-07-22. Review status: criteria provided, single submitter. Criteria: Invitae Variant Classification Sherloc (09022015). Collection method: clinical testing. Allele origin: germline.
Comment: This sequence change replaces serine, which is neutral and polar, with asparagine, which is neutral and polar, at codon 186 of the MLH3 protein (p.Ser186Asn). Information on the frequency of this variant in the gnomAD database is not available, as this variant may be reported differently in the database. This variant has not been reported in the literature in individuals affected with MLH3-related conditions. An algorithm developed to predict the effect of missense changes on protein structure and function (PolyPhen-2) suggests that this variant is likely to be disruptive. In summary, the available evidence is currently insufficient to determine the role of this variant in disease. Therefore, it has been classified as a Variant of Uncertain Significance.